The following is an entry in ClinVar:

ClinVar aggregate classification (germline): Uncertain significance (1 of 4 stars; one submission).

Submission:

Labcorp Genetics (formerly Invitae), Labcorp
Classification: Uncertain significance. Last evaluated: 2021-11-15. Review status: criteria provided, single submitter. Criteria: Invitae Variant Classification Sherloc (09022015). Collection method: clinical testing. Allele origin: germline.
Comment: This sequence change replaces proline, which is neutral and non-polar, with histidine, which is basic and polar, at codon 55 of the CIB2 protein (p.Pro55His). In summary, the available evidence is currently insufficient to determine the role of this variant in disease. Therefore, it has been classified as a Variant of Uncertain Significance. Algorithms developed to predict the effect of missense changes on protein structure and function are either unavailable or do not agree on the potential impact of this missense change (SIFT: "Not Available"; PolyPhen-2: "Probably Damaging"; Align-GVGD: "Not Available"). This variant has not been reported in the literature in individuals affected with CIB2-related conditions. This variant is not present in population databases (gnomAD no frequency).

NM_006383.4(CIB2):c.164C>A (p.Pro55His)

Gene: CIB2 (calcium and integrin binding family member 2; minus strand). Cytogenetic location: 15q25.1.
Variant type: single nucleotide variant.
Coding change: c.164C>A on transcript NM_006383.4 (MANE Select); coding-DNA position 164, C replaced by A.
Protein change: p.Pro55His; replaces proline 55 with histidine.
Molecular consequence: missense variant. On other transcripts: intron variant (2).
Genome position (GRCh38, 1-based): chr15:78,111,199, G>T on the plus strand (C>A on the coding strand, the complement: CIB2 is on the minus strand). VCF-style: chr15-78111199-G-T. GRCh37 (hg19) VCF-style: chr15-78403541-G-T.
Other names: c.35C>A, p.Pro12His (NM_001271888.2); c.52-1817C>A (NM_001271889.2); c.87-1690C>A (NM_001301224.2); short protein forms P12H, P55H.
Identifiers: ClinVar variation 1345398 (VCV001345398.6), dbSNP rs767935017, ClinGen allele CA393547728.